The following is an entry in ClinVar:

NM_212550.5(BLOC1S3):c.401G>C (p.Arg134Pro)

Gene: BLOC1S3 (biogenesis of lysosomal organelles complex 1 subunit 3; plus strand). Cytogenetic location: 19q13.32.
Variant type: single nucleotide variant.
Coding change: c.401G>C on transcript NM_212550.5 (MANE Select); coding-DNA position 401, G replaced by C.
Protein change: p.Arg134Pro; replaces arginine 134 with proline.
Molecular consequence: missense variant.
Genome position (GRCh38, 1-based): chr19:45,179,697, G>C. VCF-style: chr19-45179697-G-C. GRCh37 (hg19) VCF-style: chr19-45682955-G-C.
Other names: short protein forms R134P.
Identifiers: ClinVar variation 1436253 (VCV001436253.6), dbSNP rs1431339786, ClinGen allele CA406344745.

ClinVar aggregate classification (germline): Uncertain significance (1 of 4 stars; one submission).

Submission:

Labcorp Genetics (formerly Invitae), Labcorp
Classification: Uncertain significance. Last evaluated: 2022-02-10. Review status: criteria provided, single submitter. Criteria: Invitae Variant Classification Sherloc (09022015). Collection method: clinical testing. Allele origin: germline.
Comment: In summary, the available evidence is currently insufficient to determine the role of this variant in disease. Therefore, it has been classified as a Variant of Uncertain Significance. Algorithms developed to predict the effect of missense changes on protein structure and function are either unavailable or do not agree on the potential impact of this missense change (SIFT: "Tolerated"; PolyPhen-2: "Possibly Damaging"; Align-GVGD: "Class C0"). This variant has not been reported in the literature in individuals affected with BLOC1S3-related conditions. This variant is not present in population databases (gnomAD no frequency). This sequence change replaces arginine, which is basic and polar, with proline, which is neutral and non-polar, at codon 134 of the BLOC1S3 protein (p.Arg134Pro).